The following is an entry in ClinVar:

NM_001197104.2(KMT2A):c.691G>A (p.Val231Ile)

Gene: KMT2A (lysine methyltransferase 2A; plus strand). Cytogenetic location: 11q23.3.
Variant type: single nucleotide variant.
Coding change: c.691G>A on transcript NM_001197104.2 (MANE Select); coding-DNA position 691, G replaced by A.
Protein change: p.Val231Ile; replaces valine 231 with isoleucine.
Molecular consequence: missense variant.
Genome position (GRCh38, 1-based): chr11:118,471,850, G>A. VCF-style: chr11-118471850-G-A. GRCh37 (hg19) VCF-style: chr11-118342565-G-A.
Other names: c.790G>A, p.Val264Ile (NM_001412597.1); c.691G>A, p.Val231Ile (NM_005933.4); short protein forms V231I, V264I.
Identifiers: ClinVar variation 3777528 (VCV003777528.2).

ClinVar aggregate classification (germline): Uncertain significance (1 of 4 stars; one submission).

gnomAD v4.1: 2 of 1,612,156 alleles (0.00012%); highest among the groups gnomAD compares: Non-Finnish European, 0.00017%; no homozygotes.

Submission:

GeneDx
Classification: Uncertain significance. Last evaluated: 2026-07-14. Review status: criteria provided, single submitter. Criteria: GeneDx Variant Classification Process June 2021. Collection method: clinical testing. Allele origin: germline.
Comment: Not observed at significant frequency in large population cohorts (gnomAD); In silico analysis suggests that this missense variant does not alter protein structure/function; Has not been previously published as pathogenic or benign to our knowledge